The following is an entry in ClinVar:

ClinVar aggregate classification (germline): Uncertain significance. Review status: criteria provided, multiple submitters, no conflicts (2 of 4 stars). 2 submissions from 2 submitters: Uncertain significance (2). Last evaluated 2024-01-11.

Conditions:
RYR1-related disorder. Also called: RYR1-related condition; RYR1-related disorders. Identifiers: MedGen CN239331.
Malignant hyperthermia, susceptibility to, 1 (MHS1). Also called: RYR1-Related Malignant Hyperthermia Susceptibility; Anesthesia related hyperthermia; Malignant hyperpyrexia; Fulminating hyperpyrexia; Pharmacogenic myopathy; Malignant hyperthermia suceptibility 1. Identifiers: Orphanet 423, MedGen C2930980, MONDO:0007783, OMIM 145600.

Submissions (2):

All of Us Research Program, National Institutes of Health
Classification: Uncertain significance for Malignant hyperthermia, susceptibility to, 1. Last evaluated: 2024-01-11. Review status: criteria provided, single submitter. Criteria: ACMG Guidelines, 2015. Collection method: clinical testing. Allele origin: germline. Inheritance: Autosomal dominant inheritance. Observed: 2 variant alleles, 2 heterozygotes.
Comment: This missense variant replaces methionine with threonine at codon 4096 of the RYR1 protein. Computational prediction suggests that this variant may have deleterious impact on protein structure and function (internally defined REVEL score threshold >= 0.7, PMID: 27666373). To our knowledge, functional studies have not been reported for this variant. This variant has not been reported in individuals affected with RYR1-related disorders in the literature. This variant has not been identified in the general population by the Genome Aggregation Database (gnomAD). The available evidence is insufficient to determine the role of this variant in disease conclusively. Therefore, this variant is classified as a Variant of Uncertain Significance.

This study involves interpretation of variants in research participants for the purpose of population health screening. Participant phenotype was not available at the time of variant classification. Additional details can be found in publication PMID: 35346344, PMCID: PMC8962531

Labcorp Genetics (formerly Invitae), Labcorp
Classification: Uncertain significance for RYR1-related disorder. Last evaluated: 2022-02-03. Review status: criteria provided, single submitter. Criteria: Invitae Variant Classification Sherloc (09022015). Collection method: clinical testing. Allele origin: germline.
Comment: This sequence change replaces methionine, which is neutral and non-polar, with threonine, which is neutral and polar, at codon 4096 of the RYR1 protein (p.Met4096Thr). This variant is not present in population databases (gnomAD no frequency). This variant has not been reported in the literature in individuals affected with RYR1-related conditions. ClinVar contains an entry for this variant (Variation ID: 568496). Advanced modeling of protein sequence and biophysical properties (such as structural, functional, and spatial information, amino acid conservation, physicochemical variation, residue mobility, and thermodynamic stability) performed at Invitae indicates that this missense variant is not expected to disrupt RYR1 protein function. In summary, the available evidence is currently insufficient to determine the role of this variant in disease. Therefore, it has been classified as a Variant of Uncertain Significance.

NM_000540.3(RYR1):c.12287T>C (p.Met4096Thr)

Gene: RYR1 (ryanodine receptor 1; plus strand). Cytogenetic location: 19q13.2.
Variant type: single nucleotide variant.
Coding change: c.12287T>C on transcript NM_000540.3 (MANE Select); coding-DNA position 12287, T replaced by C.
Protein change: p.Met4096Thr; replaces methionine 4096 with threonine.
Molecular consequence: missense variant.
Genome position (GRCh38, 1-based): chr19:38,561,117, T>C. VCF-style: chr19-38561117-T-C. GRCh37 (hg19) VCF-style: chr19-39051757-T-C.
Other names: c.12272T>C, p.Met4091Thr (NM_001042723.2); short protein forms M4096T, M4091T.
Identifiers: ClinVar variation 568496 (VCV000568496.3), dbSNP rs1568575499, ClinGen allele CA405667823.
Genomic context (GRCh38, chr19:38,561,117, plus strand): 5'-AGAGAGAGAATTGAGGCTCTCCAGGTCACCCCACTGACCTCCCTGCCCGCCCCCAGGCCA[T>C]GGACAGCCAGAAGCAGTTCAGCGGTCCAGAAATCCAGTTCCTGCTTTCGTGCTCCGAAGC-3'
Protein context (NP_000531.2, residues 4086-4106): LISKKDFQKA[Met4096Thr]DSQKQFSGPE